The following is an entry in ClinVar:

NM_005431.2(XRCC2):c.599A>T (p.Gln200Leu)

Gene: XRCC2 (X-ray repair cross complementing 2; minus strand). Cytogenetic location: 7q36.1.
Variant type: single nucleotide variant.
Coding change: c.599A>T on transcript NM_005431.2 (MANE Select); coding-DNA position 599, A replaced by T.
Protein change: p.Gln200Leu; replaces glutamine 200 with leucine.
Molecular consequence: missense variant.
Genome position (GRCh38, 1-based): chr7:152,648,886, T>A on the plus strand (A>T on the coding strand, the complement: XRCC2 is on the minus strand). VCF-style: chr7-152648886-T-A. GRCh37 (hg19) VCF-style: chr7-152345971-T-A.
Other names: short protein forms Q200L.
Identifiers: ClinVar variation 5032090 (VCV005032090.1).

ClinVar aggregate classification (germline): Uncertain significance (1 of 4 stars; one submission).

Conditions:
Hereditary cancer-predisposing syndrome. Also called: Neoplastic Syndromes, Hereditary; Tumor predisposition; Hereditary neoplastic syndrome; Hereditary Cancer Syndrome. Identifiers: Orphanet 140162, MedGen C0027672, MeSH D009386, MONDO:0015356.

Submission:

Ambry Genetics
Classification: Uncertain significance for Hereditary cancer-predisposing syndrome. Last evaluated: 2026-08-01. Review status: criteria provided, single submitter. Criteria: Ambry Variant Classification Scheme 2023. Collection method: clinical testing. Allele origin: germline.
Comment: The p.Q200L variant (also known as c.599A>T), located in coding exon 3 of the XRCC2 gene, results from an A to T substitution at nucleotide position 599. The glutamine at codon 200 is replaced by leucine, an amino acid with dissimilar properties. This amino acid position is conserved. In addition, this alteration is predicted to be tolerated by in silico analysis. Based on the available evidence, the clinical significance of this variant remains unclear.